The following is an entry in ClinVar:

ClinVar aggregate classification (germline): Uncertain significance (1 of 4 stars; one submission).

Conditions:
Hereditary cancer-predisposing syndrome. Also called: Neoplastic Syndromes, Hereditary; Tumor predisposition; Hereditary neoplastic syndrome; Hereditary Cancer Syndrome. Identifiers: Orphanet 140162, MedGen C0027672, MeSH D009386, MONDO:0015356.

Submission:

Ambry Genetics
Classification: Uncertain significance for Hereditary cancer-predisposing syndrome. Last evaluated: 2023-10-22. Review status: criteria provided, single submitter. Criteria: Ambry Variant Classification Scheme 2023. Collection method: clinical testing. Allele origin: germline.
Comment: The p.E818A variant (also known as c.2453A>C), located in coding exon 16 of the BRIP1 gene, results from an A to C substitution at nucleotide position 2453. The glutamic acid at codon 818 is replaced by alanine, an amino acid with dissimilar properties. This amino acid position is conserved. In addition, this alteration is predicted to be deleterious by in silico analysis. Since supporting evidence is limited at this time, the clinical significance of this alteration remains unclear.

NM_032043.3(BRIP1):c.2453A>C (p.Glu818Ala)

Gene: BRIP1 (BRCA1 interacting DNA helicase 1; minus strand). Cytogenetic location: 17q23.2.
Variant type: single nucleotide variant.
Coding change: c.2453A>C on transcript NM_032043.3 (MANE Select); coding-DNA position 2453, A replaced by C.
Protein change: p.Glu818Ala; replaces glutamic acid 818 with alanine.
Molecular consequence: missense variant.
Genome position (GRCh38, 1-based): chr17:61,715,990, T>G on the plus strand (A>C on the coding strand, the complement: BRIP1 is on the minus strand). VCF-style: chr17-61715990-T-G. GRCh37 (hg19) VCF-style: chr17-59793351-T-G.
Other names: short protein forms E818A.
Identifiers: ClinVar variation 3228108 (VCV003228108.1), dbSNP rs2144380634, ClinGen allele CA400479548.
Genomic context (GRCh38, chr17:61,715,990, plus strand): 5'-ATTAAATTTCACTCCACTTACCTACCAAGGGCCTGGTTTAAGGCCCTGTATGCTTGAATT[T>G]CATACCACTGACGGCCAGGTAGAAGACCTCTCAATTTTGAATGGTGGTCATTGTATTGTC-3'
Protein context (NP_114432.2, residues 808-828): RGLLPGRQWY[Glu818Ala]IQAYRALNQA